The following is an entry in ClinVar:

NM_001080467.3(MYO5B):c.2554C>T (p.Arg852Trp)

Gene: MYO5B (myosin VB; minus strand). Cytogenetic location: 18q21.1.
Variant type: single nucleotide variant.
Coding change: c.2554C>T on transcript NM_001080467.3 (MANE Select); coding-DNA position 2554, C replaced by T.
Protein change: p.Arg852Trp; replaces arginine 852 with tryptophan.
Molecular consequence: missense variant.
Genome position (GRCh38, 1-based): chr18:49,904,689, G>A on the plus strand (C>T on the coding strand, the complement: MYO5B is on the minus strand). VCF-style: chr18-49904689-G-A. GRCh37 (hg19) VCF-style: chr18-47431059-G-A.
Other names: c.2554C>T (NM_001080467.2); short protein forms R852W.
Identifiers: ClinVar variation 1514689 (VCV001514689.11), dbSNP rs768724490, ClinGen allele CA8961039.

ClinVar aggregate classification (germline): Uncertain significance. Review status: criteria provided, multiple submitters, no conflicts (2 of 4 stars). 3 submissions from 3 submitters: Uncertain significance (2). 1 of the submissions does not count toward it. Last evaluated 2025-03-27.

Conditions:
MYO5B-related disorder. Also called: MYO5B-related condition.
Inborn genetic diseases. Identifiers: MedGen C0950123, MeSH D030342.

Allele frequency attached by ClinVar (database versions not stated): TOPMed below 0.00001; gnomAD 0.00001; ExAC 0.00002.

Submissions (3):

Ambry Genetics
Classification: Uncertain significance for Inborn genetic diseases. Last evaluated: 2025-03-27. Review status: criteria provided, single submitter. Criteria: Ambry Variant Classification Scheme 2023. Collection method: clinical testing. Allele origin: germline.

Labcorp Genetics (formerly Invitae), Labcorp
Classification: Uncertain significance. Last evaluated: 2021-03-07. Review status: criteria provided, single submitter. Criteria: Invitae Variant Classification Sherloc (09022015). Collection method: clinical testing. Allele origin: germline.
Comment: This sequence change replaces arginine with tryptophan at codon 852 of the MYO5B protein (p.Arg852Trp). The arginine residue is moderately conserved and there is a moderate physicochemical difference between arginine and tryptophan. This variant is present in population databases (rs768724490, ExAC 0.006%). This variant has not been reported in the literature in individuals with MYO5B-related conditions. Algorithms developed to predict the effect of missense changes on protein structure and function are either unavailable or do not agree on the potential impact of this missense change (SIFT: "Deleterious"; PolyPhen-2: "Probably Damaging"; Align-GVGD: "Class C0"). In summary, the available evidence is currently insufficient to determine the role of this variant in disease. Therefore, it has been classified as a Variant of Uncertain Significance.

PreventionGenetics, part of Exact Sciences
Classification: Uncertain significance for MYO5B-related condition. Last evaluated: 2023-12-22. Review status: no assertion criteria provided. Collection method: clinical testing. Allele origin: germline. Not counted in ClinVar's aggregate classification.
Comment: The MYO5B c.2554C>T variant is predicted to result in the amino acid substitution p.Arg852Trp. To our knowledge, this variant has not been reported in the literature. This variant is reported in 0.0033% of alleles in individuals of South Asian descent in gnomAD. At this time, the clinical significance of this variant is uncertain due to the absence of conclusive functional and genetic evidence.